The following is an entry in ClinVar:

NM_012448.4(STAT5B):c.370A>G (p.Asn124Asp)

Gene: STAT5B (signal transducer and activator of transcription 5B; minus strand). Cytogenetic location: 17q21.2.
Variant type: single nucleotide variant.
Coding change: c.370A>G on transcript NM_012448.4 (MANE Select); coding-DNA position 370, A replaced by G.
Protein change: p.Asn124Asp; replaces asparagine 124 with aspartic acid.
Molecular consequence: missense variant.
Genome position (GRCh38, 1-based): chr17:42,224,784, T>C on the plus strand (A>G on the coding strand, the complement: STAT5B is on the minus strand). VCF-style: chr17-42224784-T-C. GRCh37 (hg19) VCF-style: chr17-40376802-T-C.
Other names: short protein forms N124D.
Identifiers: ClinVar variation 3696374 (VCV003696374.2).

ClinVar aggregate classification (germline): Uncertain significance (1 of 4 stars; one submission).

Conditions:
Growth hormone insensitivity with immune dysregulation 1, autosomal recessive. Also called: GROWTH HORMONE INSENSITIVITY SYNDROME WITH IMMUNE DYSREGULATION 1, AUTOSOMAL RECESSIVE; GROWTH HORMONE INSENSITIVITY DUE TO POSTRECEPTOR DEFECT; LARON SYNDROME DUE TO POSTRECEPTOR DEFECT; Laron syndrome with immunodeficiency. Identifiers: Orphanet 220465, MedGen C5435698, MONDO:0100211, OMIM 245590.

gnomAD v4.1: 6 of 1,613,740 alleles (0.00037%); highest among the groups gnomAD compares: African/African-American, 0.0013%; no homozygotes.

Submission:

Labcorp Genetics (formerly Invitae), Labcorp
Classification: Uncertain significance for Growth hormone insensitivity with immune dysregulation 1, autosomal recessive. Last evaluated: 2025-06-17. Review status: criteria provided, single submitter. Criteria: Invitae Variant Classification Sherloc (09022015). Collection method: clinical testing. Allele origin: germline.
Comment: This sequence change replaces asparagine, which is neutral and polar, with aspartic acid, which is acidic and polar, at codon 124 of the STAT5B protein (p.Asn124Asp). This variant is present in population databases (rs374711620, gnomAD 0.0009%). This variant has not been reported in the literature in individuals affected with STAT5B-related conditions. ClinVar contains an entry for this variant (Variation ID: 3696374). Invitae Evidence Modeling of protein sequence and biophysical properties (such as structural, functional, and spatial information, amino acid conservation, physicochemical variation, residue mobility, and thermodynamic stability) indicates that this missense variant is not expected to disrupt STAT5B protein function with a negative predictive value of 80%. In summary, the available evidence is currently insufficient to determine the role of this variant in disease. Therefore, it has been classified as a Variant of Uncertain Significance.